The following is an entry in ClinVar:

NM_001401501.2(MUC16):c.12074C>T (p.Ser4025Phe)

Gene: MUC16 (mucin 16, cell surface associated; minus strand). Cytogenetic location: 19p13.2.
Variant type: single nucleotide variant.
Coding change: c.12074C>T on transcript NM_001401501.2 (MANE Select); coding-DNA position 12074, C replaced by T.
Protein change: p.Ser4025Phe; replaces serine 4025 with phenylalanine.
Molecular consequence: missense variant.
Genome position (GRCh38, 1-based): chr19:8,964,816, G>A on the plus strand (C>T on the coding strand, the complement: MUC16 is on the minus strand). VCF-style: chr19-8964816-G-A. GRCh37 (hg19) VCF-style: chr19-9075492-G-A.
Other names: c.12500C>T, p.Ser4167Phe (NM_001414686.1); c.11954C>T, p.Ser3985Phe (NM_001414687.1, NM_024690.2); short protein forms S3985F, S4025F, S4167F.
Identifiers: ClinVar variation 3041625 (VCV003041625.2), dbSNP rs147760980, ClinGen allele CA9171140.

ClinVar aggregate classification (germline): Benign (0 of 4 stars; one submission).

Conditions:
MUC16-related disorder. Also called: MUC16-related condition.

Allele frequency attached by ClinVar (database versions not stated): gnomAD exomes 0.00058; ExAC 0.00165; gnomAD 0.00547; TOPMed 0.00632; ESP Exome Variant Server 0.00685; 1000 Genomes Project 0.00799; 1000 Genomes Project 30x 0.00843.

Submission:

PreventionGenetics, part of Exact Sciences
Classification: Benign for MUC16-related condition. Last evaluated: 2019-05-31. Review status: no assertion criteria provided. Collection method: clinical testing. Allele origin: germline.
Comment: This variant is classified as benign based on ACMG/AMP sequence variant interpretation guidelines (Richards et al. 2015 PMID: 25741868, with internal and published modifications).